The following is an entry in ClinVar:

NM_000051.4(ATM):c.8258G>A (p.Cys2753Tyr)

Genes: ATM (ATM serine/threonine kinase; plus strand), C11orf65 (chromosome 11 open reading frame 65; minus strand). Cytogenetic location: 11q22.3.
Variant type: single nucleotide variant.
Coding change: c.8258G>A on transcript NM_000051.4 (MANE Select); coding-DNA position 8258, G replaced by A.
Protein change: p.Cys2753Tyr; replaces cysteine 2753 with tyrosine.
Molecular consequence: missense variant. On other transcripts: intron variant (2).
Genome position (GRCh38, 1-based): chr11:108,335,951, G>A. VCF-style: chr11-108335951-G-A. GRCh37 (hg19) VCF-style: chr11-108206678-G-A.
Other names: c.8258G>A, p.Cys2753Tyr (NM_001351834.2); c.641-26880C>T (NM_001330368.2); c.695-659C>T (NM_001351110.2); short protein forms C2753Y.
Identifiers: ClinVar variation 1011173 (VCV001011173.9), dbSNP rs1284049490, ClinGen allele CA382562683.
Genomic context (GRCh38, chr11:108,335,951, plus strand): 5'-AGATGTGTAATACATTACTGCAGAGAAACACGGAAACTAGGAAGAGGAAATTAACTATCT[G>A]TACTTATAAGGTAACTATTTGTACTTCTGTTAGTTCACCAAAAACATATAAAAGATGCCA-3'
Protein context (NP_000042.3, residues 2743-2763): TETRKRKLTI[Cys2753Tyr]TYKVVPLSQR

ClinVar aggregate classification (germline): Uncertain significance (1 of 4 stars; one submission).

Conditions:
Ataxia-telangiectasia syndrome (AT). Also called: Ataxia telangiectasia (A-T); ATAXIA-TELANGIECTASIA, COMPLEMENTATION GROUP A; ATAXIA-TELANGIECTASIA, FRESNO VARIANT; Ataxia-telangiectasia; Ataxia-telangiectasia, complementation group E; LOUIS-BAR SYNDROME. Identifiers: Orphanet 100, MedGen C0004135, MONDO:0008840, OMIM 208900.

Allele frequency attached by ClinVar (database versions not stated): TOPMed below 0.00001; gnomAD 0.00001.
gnomAD v4.1: 1 of 1,606,840 alleles (0.000062%); highest among the groups gnomAD compares: Non-Finnish European, 0.000085%; no homozygotes.

Submission:

Labcorp Genetics (formerly Invitae), Labcorp
Classification: Uncertain significance for Ataxia-telangiectasia syndrome. Last evaluated: 2020-12-15. Review status: criteria provided, single submitter. Criteria: Invitae Variant Classification Sherloc (09022015). Collection method: clinical testing. Allele origin: germline.
Comment: This sequence change replaces cysteine with tyrosine at codon 2753 of the ATM protein (p.Cys2753Tyr). The cysteine residue is weakly conserved and there is a large physicochemical difference between cysteine and tyrosine. In summary, the available evidence is currently insufficient to determine the role of this variant in disease. Therefore, it has been classified as a Variant of Uncertain Significance. Algorithms developed to predict the effect of missense changes on protein structure and function are either unavailable or do not agree on the potential impact of this missense change (SIFT: "Tolerated"; PolyPhen-2: "Possibly Damaging"; Align-GVGD: "Class C0"). This variant has not been reported in the literature in individuals with ATM-related conditions. This variant is not present in population databases (ExAC no frequency).